The following is an entry in ClinVar:

ClinVar aggregate classification (germline): Uncertain significance (1 of 4 stars; one submission).

Conditions:
Inborn genetic diseases. Identifiers: MedGen C0950123, MeSH D030342.

Submission:

Ambry Genetics
Classification: Uncertain significance for Inborn genetic diseases. Last evaluated: 2022-09-16. Review status: criteria provided, single submitter. Criteria: Ambry Variant Classification Scheme 2023. Collection method: clinical testing. Allele origin: germline.
Comment: The p.A1937S variant (also known as c.5809G>T), located in coding exon 40 of the LRRK2 gene, results from a G to T substitution at nucleotide position 5809. The alanine at codon 1937 is replaced by serine, an amino acid with similar properties. This amino acid position is conserved. In addition, the in silico prediction for this alteration is inconclusive. Since supporting evidence is limited at this time, the clinical significance of this alteration remains unclear.

NM_198578.4(LRRK2):c.5809G>T (p.Ala1937Ser)

Gene: LRRK2 (leucine rich repeat kinase 2; plus strand). Cytogenetic location: 12q12.
Variant type: single nucleotide variant.
Coding change: c.5809G>T on transcript NM_198578.4 (MANE Select); coding-DNA position 5809, G replaced by T.
Protein change: p.Ala1937Ser; replaces alanine 1937 with serine.
Molecular consequence: missense variant.
Genome position (GRCh38, 1-based): chr12:40,335,018, G>T. VCF-style: chr12-40335018-G-T. GRCh37 (hg19) VCF-style: chr12-40728820-G-T.
Other names: short protein forms A1937S.
Identifiers: ClinVar variation 1749826 (VCV001749826.2), dbSNP rs1241455686, ClinGen allele CA384401997.